The following is an entry in ClinVar:

ClinVar aggregate classification (germline): Uncertain significance. Review status: criteria provided, multiple submitters, no conflicts (2 of 4 stars). 2 submissions from 2 submitters: Uncertain significance (2). Last evaluated 2025-01-29.

Conditions:
TTC21B-related disorder. Also called: TTC21B-related condition; TTC21B-related disorders.
Jeune thoracic dystrophy. Also called: Short-rib thoracic dysplasia; Jeune syndrome; Infantile thoracic dystrophy; Thoracic pelvic phalangeal dystrophy; Jeune's syndrome; Chondroectodermal dysplasia-like syndrome. Identifiers: Orphanet 474, MedGen C0265275, MONDO:0018770.
Nephronophthisis. Also called: Juvenile Nephronophthisis. Identifiers: Orphanet 655, MedGen C0687120, MONDO:0019005, HP:0000090.

Allele frequency attached by ClinVar (database versions not stated): gnomAD exomes below 0.00001; ExAC 0.00001.
gnomAD v4.1: 2 of 1,612,270 alleles (0.00012%); highest among the groups gnomAD compares: Middle Eastern, 0.017%; no homozygotes.

Submissions (2):

PreventionGenetics, part of Exact Sciences
Classification: Uncertain significance for TTC21B-related condition. Last evaluated: 2025-01-29. Review status: criteria provided, single submitter. Criteria: ACMG Guidelines, 2015. Collection method: clinical testing. Allele origin: germline.
Comment: The TTC21B c.484A>G variant is predicted to result in the amino acid substitution p.Lys162Glu. To our knowledge, this variant has not been reported in the literature. This variant is reported in 0.00088% of alleles in individuals of European (Non-Finnish) descent in gnomAD. At this time, the clinical significance of this variant is uncertain due to the absence of conclusive functional and genetic evidence.

Labcorp Genetics (formerly Invitae), Labcorp
Classification: Uncertain significance for Jeune thoracic dystrophy; Nephronophthisis. Last evaluated: 2022-09-01. Review status: criteria provided, single submitter. Criteria: Invitae Variant Classification Sherloc (09022015). Collection method: clinical testing. Allele origin: germline.
Comment: This sequence change replaces lysine, which is basic and polar, with glutamic acid, which is acidic and polar, at codon 162 of the TTC21B protein (p.Lys162Glu). This variant is present in population databases (rs766476385, gnomAD 0.0009%). In summary, the available evidence is currently insufficient to determine the role of this variant in disease. Therefore, it has been classified as a Variant of Uncertain Significance. Algorithms developed to predict the effect of missense changes on protein structure and function are either unavailable or do not agree on the potential impact of this missense change (SIFT: "Tolerated"; PolyPhen-2: "Possibly Damaging"; Align-GVGD: "Class C0"). This variant has not been reported in the literature in individuals affected with TTC21B-related conditions.

NM_024753.5(TTC21B):c.484A>G (p.Lys162Glu)

Genes: TTC21B (tetratricopeptide repeat domain 21B; minus strand), TTC21B-AS1 (TTC21B antisense RNA 1; plus strand). Cytogenetic location: 2q24.3.
Variant type: single nucleotide variant.
Coding change: c.484A>G on transcript NM_024753.5 (MANE Select); coding-DNA position 484, A replaced by G.
Protein change: p.Lys162Glu; replaces lysine 162 with glutamic acid.
Molecular consequence: missense variant.
Genome position (GRCh38, 1-based): chr2:165,943,287, T>C on the plus strand (A>G on the coding strand, the complement: TTC21B is on the minus strand). VCF-style: chr2-165943287-T-C. GRCh37 (hg19) VCF-style: chr2-166799797-T-C.
Other names: c.484A>G (NM_024753.4); short protein forms K162E.
Identifiers: ClinVar variation 2194637 (VCV002194637.5), dbSNP rs766476385, ClinGen allele CA1942423.
Genomic context (GRCh38, chr2:165,943,287, plus strand): 5'-GCAGAGCAAAAGTATCATTCCCATCTTGGAGTCCCTCTTCAAAATACTTCAGTGCTTTTT[T>C]AGTGTAAGGCTCTTTTCCTCTTGTAATATCAAGCCATGCTTTCAAAACGTGTCCCTGTAA-3'
Protein context (NP_079029.3, residues 152-172): DITRGKEPYT[Lys162Glu]KALKYFEEGL